The following is an entry in ClinVar:

ClinVar aggregate classification (germline): Uncertain significance. Review status: criteria provided, multiple submitters, no conflicts (2 of 4 stars). 2 submissions from 2 submitters: Uncertain significance (2). Last evaluated 2024-12-14.

Conditions:
Inborn genetic diseases. Identifiers: MedGen C0950123, MeSH D030342.

Allele frequency attached by ClinVar (database versions not stated): gnomAD exomes 0.00001.
gnomAD v4.1: 4 of 1,614,016 alleles (0.00025%); highest among the groups gnomAD compares: Non-Finnish European, 0.00034%; no homozygotes.

Submissions (2):

Ambry Genetics
Classification: Uncertain significance for Inborn genetic diseases. Last evaluated: 2024-12-14. Review status: criteria provided, single submitter. Criteria: Ambry Variant Classification Scheme 2023. Collection method: clinical testing. Allele origin: germline.

GeneDx
Classification: Uncertain significance. Last evaluated: 2022-01-04. Review status: criteria provided, single submitter. Criteria: GeneDx Variant Classification Process June 2021. Collection method: clinical testing. Allele origin: germline. Affected: yes.
Comment: Not observed at significant frequency in large population cohorts (gnomAD); In silico analysis supports that this missense variant does not alter protein structure/function; Has not been previously published as pathogenic or benign to our knowledge

NM_145207.3(AFG2A):c.2224G>T (p.Ala742Ser)

Gene: AFG2A (AFG2 AAA ATPase homolog A; plus strand). Cytogenetic location: 4q28.1.
Variant type: single nucleotide variant.
Coding change: c.2224G>T on transcript NM_145207.3 (MANE Select); coding-DNA position 2224, G replaced by T.
Protein change: p.Ala742Ser; replaces alanine 742 with serine.
Molecular consequence: missense variant.
Genome position (GRCh38, 1-based): chr4:123,090,589, G>T. VCF-style: chr4-123090589-G-T. GRCh37 (hg19) VCF-style: chr4-124011744-G-T.
Other names: c.2221G>T, p.Ala741Ser (NM_001345856.2); short protein forms A741S, A742S.
Identifiers: ClinVar variation 1693355 (VCV001693355.4), dbSNP rs1467700191, ClinGen allele CA358230238.